The following is an entry in ClinVar:

NC_000014.8:g.(?_50734451)_(50734648_?)del

Gene: L2HGDH (L-2-hydroxyglutarate dehydrogenase; minus strand). Cytogenetic location: 14q21.3.
Variant type: Deletion.
Identifiers: ClinVar variation 3243997 (VCV003243997.1).

ClinVar aggregate classification (germline): Pathogenic (1 of 4 stars; one submission).

Conditions:
L-2-hydroxyglutaric aciduria (L2HGA). Identifiers: Orphanet 79314, MedGen C1855995, MONDO:0009370, OMIM 236792, HP:0040144.

Submission:

Labcorp Genetics (formerly Invitae), Labcorp
Classification: Pathogenic for L-2-hydroxyglutaric aciduria. Last evaluated: 2023-04-08. Review status: criteria provided, single submitter. Criteria: Invitae Variant Classification Sherloc (09022015). Collection method: clinical testing. Allele origin: unknown.
Comment: For these reasons, this variant has been classified as Pathogenic. This variant has not been reported in the literature in individuals affected with L2HGDH-related conditions. This variant is a gross deletion of the genomic region encompassing exon(s) 8 of the L2HGDH gene. This deletion is out-of-frame, and is expected to create a premature termination codon and result in an absent or disrupted protein product. Loss-of-function variants in L2HGDH are known to be pathogenic (PMID: 16134148, 20052767).

Literature cited by the submitters: PubMed 16134148; PubMed 20052767.